The following is an entry in ClinVar:

ClinVar aggregate classification (germline): Uncertain significance (1 of 4 stars; one submission).

Submission:

Labcorp Genetics (formerly Invitae), Labcorp
Classification: Uncertain significance. Last evaluated: 2025-01-13. Review status: criteria provided, single submitter. Criteria: Invitae Variant Classification Sherloc (09022015). Collection method: clinical testing. Allele origin: germline.
Comment: This sequence change replaces alanine, which is neutral and non-polar, with threonine, which is neutral and polar, at codon 416 of the AHR protein (p.Ala416Thr). This variant is present in population databases (rs748278630, gnomAD 0.004%). This variant has not been reported in the literature in individuals affected with AHR-related conditions. ClinVar contains an entry for this variant (Variation ID: 1378461). An algorithm developed to predict the effect of missense changes on protein structure and function outputs the following: PolyPhen-2: "Benign". The threonine amino acid residue is found in multiple mammalian species, which suggests that this missense change does not adversely affect protein function. In summary, the available evidence is currently insufficient to determine the role of this variant in disease. Therefore, it has been classified as a Variant of Uncertain Significance.

NM_001621.5(AHR):c.1246G>A (p.Ala416Thr)

Gene: AHR (aryl hydrocarbon receptor; plus strand). Cytogenetic location: 7p21.1.
Variant type: single nucleotide variant.
Coding change: c.1246G>A on transcript NM_001621.5 (MANE Select); coding-DNA position 1246, G replaced by A.
Protein change: p.Ala416Thr; replaces alanine 416 with threonine.
Molecular consequence: missense variant.
Genome position (GRCh38, 1-based): chr7:17,339,071, G>A. VCF-style: chr7-17339071-G-A. GRCh37 (hg19) VCF-style: chr7-17378695-G-A.
Other names: short protein forms A416T.
Identifiers: ClinVar variation 1378461 (VCV001378461.6), dbSNP rs748278630, ClinGen allele CA4172059.